The following is an entry in ClinVar:

NM_032043.3(BRIP1):c.2492+8G>C

Gene: BRIP1 (BRCA1 interacting DNA helicase 1; minus strand). Cytogenetic location: 17q23.2.
Variant type: single nucleotide variant.
Coding change: c.2492+8G>C on transcript NM_032043.3 (MANE Select); 8 bases into the intron after coding-DNA position 2492, G replaced by C.
Molecular consequence: intron variant.
Genome position (GRCh38, 1-based): chr17:61,715,943, C>G on the plus strand (G>C on the coding strand, the complement: BRIP1 is on the minus strand). VCF-style: chr17-61715943-C-G. GRCh37 (hg19) VCF-style: chr17-59793304-C-G.
Identifiers: ClinVar variation 414678 (VCV000414678.20), dbSNP rs772953115, ClinGen allele CA8690519.

ClinVar aggregate classification (germline): Likely benign. Review status: criteria provided, multiple submitters, no conflicts (2 of 4 stars). 5 submissions from 5 submitters: Likely benign (4). 1 of the submissions does not count toward it. Last evaluated 2025-11-18.

Conditions:
Fanconi anemia complementation group J. Also called: BRIP1-Related Fanconi Anemia. Identifiers: Orphanet 84, MedGen C1836860, MONDO:0012187, OMIM 609054.
Familial cancer of breast. Also called: Hereditary breast cancer; BREAST CANCER, FAMILIAL; hereditary breast carcinoma. Identifiers: Orphanet 227535, MedGen C0346153, MONDO:0016419, OMIM 114480. Disease mechanism: loss of function.
BRIP1-related disorder. Also called: BRIP1-related condition; BRIP1-related disorders. Identifiers: MedGen CN239206.
Hereditary cancer-predisposing syndrome. Also called: Tumor predisposition; Neoplastic Syndromes, Hereditary; Hereditary Cancer Syndrome; Hereditary neoplastic syndrome. Identifiers: Orphanet 140162, MedGen C0027672, MeSH D009386, MONDO:0015356.

Allele frequency attached by ClinVar (database versions not stated): gnomAD exomes below 0.00001; ExAC 0.00001; TOPMed 0.00002; gnomAD 0.00003.
gnomAD v4.1: 7 of 1,540,872 alleles (0.00045%); highest among the groups gnomAD compares: African/African-American, 0.0095%; no homozygotes.

Submissions (5):

Labcorp Genetics (formerly Invitae), Labcorp
Classification: Likely benign for Familial cancer of breast; Fanconi anemia complementation group J. Last evaluated: 2025-11-18. Review status: criteria provided, single submitter. Criteria: Invitae Variant Classification Sherloc (09022015). Collection method: clinical testing. Allele origin: germline.

Women's Health and Genetics/Laboratory Corporation of America, LabCorp
Classification: Likely benign. Last evaluated: 2025-04-16. Review status: criteria provided, single submitter. Criteria: LabCorp Variant Classification Summary - May 2015. Collection method: clinical testing. Allele origin: germline.

Myriad Genetics, Inc.
Classification: Likely benign for Familial cancer of breast. Last evaluated: 2024-09-05. Review status: criteria provided, single submitter. Criteria: Myriad Autosomal Dominant, Autosomal Recessive and X-Linked Classification Criteria (2023). Collection method: clinical testing. Allele origin: unknown.
Comment: This variant is considered likely benign. This variant is intronic and is not expected to impact mRNA splicing.

Color Diagnostics, LLC DBA Color Health
Classification: Likely benign for Hereditary cancer-predisposing syndrome. Last evaluated: 2015-10-01. Review status: criteria provided, single submitter. Criteria: ACMG Guidelines, 2015. Collection method: clinical testing. Allele origin: germline.

PreventionGenetics, part of Exact Sciences
Classification: Likely benign for BRIP1-related condition. Last evaluated: 2022-10-30. Review status: no assertion criteria provided. Collection method: clinical testing. Allele origin: germline. Not counted in ClinVar's aggregate classification.
Comment: This variant is classified as likely benign based on ACMG/AMP sequence variant interpretation guidelines (Richards et al. 2015 PMID: 25741868, with internal and published modifications).